The following is an entry in ClinVar:

ClinVar aggregate classification (germline): Uncertain significance (1 of 4 stars; one submission).

Conditions:
Neurodevelopmental disorder with hypotonia, stereotypic hand movements, and impaired language. Also called: Intellectual disability, autosomal dominant 20. Identifiers: Orphanet 228384, Orphanet 664410, MedGen C3150700, MONDO:0013266, OMIM 613443.

Submission:

Labcorp Genetics (formerly Invitae), Labcorp
Classification: Uncertain significance for Neurodevelopmental disorder with hypotonia, stereotypic hand movements, and impaired language. Last evaluated: 2022-05-21. Review status: criteria provided, single submitter. Criteria: Invitae Variant Classification Sherloc (09022015). Collection method: clinical testing. Allele origin: germline.
Comment: This sequence change replaces lysine, which is basic and polar, with glutamic acid, which is acidic and polar, at codon 31 of the MEF2C protein (p.Lys31Glu). This variant is not present in population databases (gnomAD no frequency). This variant has not been reported in the literature in individuals affected with MEF2C-related conditions. Algorithms developed to predict the effect of missense changes on protein structure and function are either unavailable or do not agree on the potential impact of this missense change (SIFT: "Deleterious"; PolyPhen-2: "Probably Damaging"; Align-GVGD: "Class C0"). In summary, the available evidence is currently insufficient to determine the role of this variant in disease. Therefore, it has been classified as a Variant of Uncertain Significance.

NM_002397.5(MEF2C):c.91A>G (p.Lys31Glu)

Gene: MEF2C (myocyte enhancer factor 2C; minus strand). Cytogenetic location: 5q14.3.
Variant type: single nucleotide variant.
Coding change: c.91A>G on transcript NM_002397.5 (MANE Select); coding-DNA position 91, A replaced by G.
Protein change: p.Lys31Glu; replaces lysine 31 with glutamic acid.
Molecular consequence: missense variant.
Genome position (GRCh38, 1-based): chr5:88,804,765, T>C on the plus strand (A>G on the coding strand, the complement: MEF2C is on the minus strand). VCF-style: chr5-88804765-T-C. GRCh37 (hg19) VCF-style: chr5-88100582-T-C.
Other names: c.91A>G, p.Lys31Glu (NM_001131005.2, NM_001193347.1, NM_001193348.1 and 29 more transcripts); short protein forms K31E.
Identifiers: ClinVar variation 1997710 (VCV001997710.4), dbSNP rs2531288452, ClinGen allele CA360425143.